The following is an entry in ClinVar:

NM_170606.3(KMT2C):c.8471C>T (p.Thr2824Met)

Gene: KMT2C (lysine methyltransferase 2C; minus strand). Cytogenetic location: 7q36.1.
Variant type: single nucleotide variant.
Coding change: c.8471C>T on transcript NM_170606.3 (MANE Select); coding-DNA position 8471, C replaced by T.
Protein change: p.Thr2824Met; replaces threonine 2824 with methionine.
Molecular consequence: missense variant.
Genome position (GRCh38, 1-based): chr7:152,176,982, G>A on the plus strand (C>T on the coding strand, the complement: KMT2C is on the minus strand). VCF-style: chr7-152176982-G-A. GRCh37 (hg19) VCF-style: chr7-151874067-G-A.
Other names: short protein forms T2824M.
Identifiers: ClinVar variation 1325592 (VCV001325592.8), dbSNP rs780982767, ClinGen allele CA4579670.
Genomic context (GRCh38, chr7:152,176,982, plus strand): 5'-TCATCATTTTTTTCAGTTTCACATTTGGATTCCACCTTAGAATTTGGAGACAGTACTTCC[G>A]TTTTTACCTCATTGGTAACAGTGGATTTTTTCTGTGGTGAATGTTTATCAGAGAGAACCA-3'
Protein context (NP_733751.2, residues 2814-2834): KKSTVTNEVK[Thr2824Met]EVLSPNSKVE

ClinVar aggregate classification (germline): Conflicting classifications of pathogenicity. Review status: criteria provided, conflicting classifications (1 of 4 stars). 3 submissions from 3 submitters: Uncertain significance (2); Benign (1). Last evaluated 2025-10-01.

Conditions:
Kleefstra syndrome 2 (KLEFS2). Identifiers: MedGen C4540395, MONDO:0054701, OMIM 617768.

Allele frequency attached by ClinVar (database versions not stated): gnomAD exomes 0.00002 and 0.00003; gnomAD 0.00003 and 0.00002; TOPMed 0.00007; ExAC 0.00002.
gnomAD v4.1: 49 of 1,613,792 alleles (0.003%); highest among the groups gnomAD compares: African/African-American, 0.004%; no homozygotes.

Submissions (3):

Labcorp Genetics (formerly Invitae), Labcorp
Classification: Benign. Last evaluated: 2025-10-01. Review status: criteria provided, single submitter. Criteria: Invitae Variant Classification Sherloc (09022015). Collection method: clinical testing. Allele origin: germline.

New York Genome Center
Classification: Uncertain significance for Kleefstra syndrome 2. Last evaluated: 2020-04-29. Review status: criteria provided, single submitter. Criteria: NYGC Assertion Criteria 2020. Collection method: clinical testing. Allele origin: germline. Observed: 1 heterozygote. Study: CSER-NYCKidSeq.

Juno Genomics, Hangzhou Juno Genomics, Inc
Classification: Uncertain significance for Kleefstra syndrome 2. Review status: criteria provided, single submitter. Criteria: ACMG Guidelines, 2015. Collection method: clinical testing. Allele origin: germline. Affected: yes.
Comment: Absent from controls (or at extremely low frequency if recessive) in Genome Aggregation Database, Exome Sequencing Project, 1000 Genomes Project, or Exome Aggregation Consortium.